The following is an entry in ClinVar:

ClinVar aggregate classification (germline): Likely benign. Review status: criteria provided, single submitter (1 of 4 stars). 2 submissions from 2 submitters: Likely benign (1). 1 of the submissions does not count toward it. Last evaluated 2023-11-28.

Conditions:
MACF1-related disorder. Also called: MACF1-related condition.

Allele frequency attached by ClinVar (database versions not stated): gnomAD 0.00001; TOPMed below 0.00001; ExAC 0.00002; 1000 Genomes Project 30x 0.00016; gnomAD exomes 0.00002; 1000 Genomes Project 0.00020.
gnomAD v4.1: 37 of 1,611,518 alleles (0.0023%); highest among the groups gnomAD compares: African/African-American, 0.0027%; no homozygotes.

Submissions (2):

Blueprint Genetics
Classification: Likely benign. Last evaluated: 2023-11-28. Review status: criteria provided, single submitter. Criteria: ACMG Guidelines, 2015. Collection method: clinical testing. Allele origin: germline.

PreventionGenetics, part of Exact Sciences
Classification: Likely benign for MACF1-related condition. Last evaluated: 2021-05-25. Review status: no assertion criteria provided. Collection method: clinical testing. Allele origin: germline. Not counted in ClinVar's aggregate classification.
Comment: This variant is classified as likely benign based on ACMG/AMP sequence variant interpretation guidelines (Richards et al. 2015 PMID: 25741868, with internal and published modifications).

NM_012090.5(MACF1):c.-9G>A

Gene: MACF1 (microtubule actin crosslinking factor 1; plus strand). Cytogenetic location: 1p34.3.
Variant type: single nucleotide variant.
Coding change: c.-9G>A on transcript NM_012090.5; 9 bases upstream of the start codon, G replaced by A.
Molecular consequence: 5 prime UTR variant.
Genome position (GRCh38, 1-based): chr1:39,084,210, G>A. VCF-style: chr1-39084210-G-A. GRCh37 (hg19) VCF-style: chr1-39549882-G-A.
Identifiers: ClinVar variation 3030831 (VCV003030831.3), dbSNP rs199946219, ClinGen allele CA778981.
Genomic context (GRCh38, chr1:39,084,210, plus strand): 5'-ACCCCTTTCTCCTTCAGATCACTTCTCCCTGGGCTCCCAGGCCCTCCTGCAGCAGCCCCC[G>A]CCTGGGCCATGTCTTCCTCAGATGAAGAGACGCTCAGTGAGCGGTCATGTCGGAGTGAGC-3'